The following is an entry in ClinVar:

NM_001376.5(DYNC1H1):c.1588G>A (p.Val530Ile)

Gene: DYNC1H1 (dynein cytoplasmic 1 heavy chain 1; plus strand). Cytogenetic location: 14q32.31.
Variant type: single nucleotide variant.
Coding change: c.1588G>A on transcript NM_001376.5 (MANE Select); coding-DNA position 1588, G replaced by A.
Protein change: p.Val530Ile; replaces valine 530 with isoleucine.
Molecular consequence: missense variant.
Genome position (GRCh38, 1-based): chr14:101,985,813, G>A. VCF-style: chr14-101985813-G-A. GRCh37 (hg19) VCF-style: chr14-102452150-G-A.
Other names: short protein forms V530I.
Identifiers: ClinVar variation 836348 (VCV000836348.13), dbSNP rs1302970492, ClinGen allele CA391018579.
Genomic context (GRCh38, chr14:101,985,813, plus strand): 5'-GTTCTCTTTGATGCTGCAGATGCAAATGCCATTGAGGAAGTAAACCTTGCTTATGAGAAC[G>A]TCAAGGAAGTGGATGGACTGGATGTTTCCAAAGAGGGCACGGAAGCCTGGGAGGCTGCTA-3'
Protein context (NP_001367.2, residues 520-540): IEEVNLAYEN[Val530Ile]KEVDGLDVSK

ClinVar aggregate classification (germline): Uncertain significance. Review status: criteria provided, multiple submitters, no conflicts (2 of 4 stars). 4 submissions from 4 submitters: Uncertain significance (4). Last evaluated 2026-05-20.

Conditions:
DYNC1H1-related disorder. Also called: DYNC1H1-related condition; DYNC1H1-related disorders. Identifiers: MedGen CN381529.
Inborn genetic diseases. Identifiers: MedGen C0950123, MeSH D030342.
Charcot-Marie-Tooth disease axonal type 2O. Also called: CHARCOT-MARIE-TOOTH NEUROPATHY, AXONAL, TYPE 2O; CHARCOT-MARIE-TOOTH DISEASE, AXONAL, AUTOSOMAL DOMINANT, TYPE 2O; Charcot-Marie-Tooth Neuropathy Type 2O; Charcot-Marie-Tooth disease, axonal, type 20. Identifiers: Orphanet 284232, MedGen C3280220, MONDO:0013644, OMIM 614228.

Allele frequency attached by ClinVar (database versions not stated): gnomAD exomes below 0.00001; TOPMed below 0.00001.

Submissions (4):

PreventionGenetics, part of Exact Sciences
Classification: Uncertain significance for DYNC1H1-related condition. Last evaluated: 2026-05-20. Review status: criteria provided, single submitter. Criteria: ACMG Guidelines, 2015. Collection method: clinical testing. Allele origin: germline.
Comment: The DYNC1H1 c.1588G>A variant is predicted to result in the amino acid substitution p.Val530Ile. To our knowledge, this variant has not been reported in the literature or in a large population database, indicating this variant is rare. At this time, the clinical significance of this variant is uncertain due to the absence of conclusive functional and genetic evidence.

Ambry Genetics
Classification: Uncertain significance for Inborn genetic diseases. Last evaluated: 2025-06-07. Review status: criteria provided, single submitter. Criteria: Ambry Variant Classification Scheme 2023. Collection method: clinical testing. Allele origin: germline.

Labcorp Genetics (formerly Invitae), Labcorp
Classification: Uncertain significance for Charcot-Marie-Tooth disease axonal type 2O. Last evaluated: 2024-10-15. Review status: criteria provided, single submitter. Criteria: Invitae Variant Classification Sherloc (09022015). Collection method: clinical testing. Allele origin: germline.
Comment: This sequence change replaces valine, which is neutral and non-polar, with isoleucine, which is neutral and non-polar, at codon 530 of the DYNC1H1 protein (p.Val530Ile). This variant is not present in population databases (gnomAD no frequency). This variant has not been reported in the literature in individuals affected with DYNC1H1-related conditions. ClinVar contains an entry for this variant (Variation ID: 836348). Invitae Evidence Modeling of protein sequence and biophysical properties (such as structural, functional, and spatial information, amino acid conservation, physicochemical variation, residue mobility, and thermodynamic stability) indicates that this missense variant is not expected to disrupt DYNC1H1 protein function with a negative predictive value of 95%. In summary, the available evidence is currently insufficient to determine the role of this variant in disease. Therefore, it has been classified as a Variant of Uncertain Significance.

GeneDx
Classification: Uncertain significance. Last evaluated: 2022-06-22. Review status: criteria provided, single submitter. Criteria: GeneDx Variant Classification Process June 2021. Collection method: clinical testing. Allele origin: germline. Affected: yes.
Comment: Not observed at significant frequency in large population cohorts (gnomAD); In silico analysis supports that this missense variant does not alter protein structure/function; Has not been previously published as pathogenic or benign to our knowledge; This variant is associated with the following publications: (PMID: 26100331, 25609763, 25512093)